The following is an entry in ClinVar:

NM_000257.4(MYH7):c.3604G>A (p.Glu1202Lys)

Gene: MYH7 (myosin heavy chain 7; minus strand). Cytogenetic location: 14q11.2.
Variant type: single nucleotide variant.
Coding change: c.3604G>A on transcript NM_000257.4 (MANE Select); coding-DNA position 3604, G replaced by A.
Protein change: p.Glu1202Lys; replaces glutamic acid 1202 with lysine.
Molecular consequence: missense variant.
Genome position (GRCh38, 1-based): chr14:23,419,967, C>T on the plus strand (G>A on the coding strand, the complement: MYH7 is on the minus strand). VCF-style: chr14-23419967-C-T. GRCh37 (hg19) VCF-style: chr14-23889176-C-T.
Other names: short protein forms E1202K.
Identifiers: ClinVar variation 927569 (VCV000927569.6), dbSNP rs748011341, ClinGen allele CA389043320.

ClinVar aggregate classification (germline): Uncertain significance. Review status: criteria provided, multiple submitters, no conflicts (2 of 4 stars). 2 submissions from 2 submitters: Uncertain significance (2). Last evaluated 2024-03-06.

Conditions:
Cardiomyopathy (CMYO). Also called: Cardiomyopathies. Identifiers: Orphanet 167848, MedGen C0878544, MONDO:0004994, HP:0001638. Inheritance: Various modes of inheritance.

Submissions (2):

Color Diagnostics, LLC DBA Color Health
Classification: Uncertain significance for Cardiomyopathy. Last evaluated: 2024-03-06. Review status: criteria provided, single submitter. Criteria: ACMG Guidelines, 2015. Collection method: clinical testing. Allele origin: germline.
Comment: This missense variant replaces glutamic acid with lysine at codon 1202 of the MYH7 protein. Computational prediction suggests that this variant may have deleterious impact on protein structure and function (internally defined REVEL score threshold >= 0.7, PMID: 27666373). To our knowledge, functional studies have not been reported for this variant. This variant has not been reported in individuals affected with MYH7-related disorders in the literature. This variant has not been identified in the general population by the Genome Aggregation Database (gnomAD). The available evidence is insufficient to determine the role of this variant in disease conclusively. Therefore, this variant is classified as a Variant of Uncertain Significance.

All of Us Research Program, National Institutes of Health
Classification: Uncertain significance for Cardiomyopathy. Last evaluated: 2023-11-20. Review status: criteria provided, single submitter. Criteria: ACMG Guidelines, 2015. Collection method: clinical testing. Allele origin: germline. Inheritance: Autosomal dominant inheritance. Observed: 1 variant allele, 1 heterozygote.
Comment: This missense variant replaces glutamic acid with lysine at codon 1202 of the MYH7 protein. Computational prediction suggests that this variant may have deleterious impact on protein structure and function (internally defined REVEL score threshold >= 0.7, PMID: 27666373). To our knowledge, functional studies have not been reported for this variant. This variant has not been reported in individuals affected with MYH7-related disorders in the literature. This variant has not been identified in the general population by the Genome Aggregation Database (gnomAD). The available evidence is insufficient to determine the role of this variant in disease conclusively. Therefore, this variant is classified as a Variant of Uncertain Significance.

This study involves interpretation of variants in research participants for the purpose of population health screening. Participant phenotype was not available at the time of variant classification. Additional details can be found in publication PMID: 35346344, PMCID: PMC8962531